The following is an entry in ClinVar:

ClinVar aggregate classification (germline): Likely pathogenic. Review status: criteria provided, single submitter (1 of 4 stars). 4 submissions from 4 submitters: Likely pathogenic (1). 3 of the submissions do not count toward it. Last evaluated 2025-06-16.

Conditions:
Glycine encephalopathy. Also called: Nonketotic hyperglycinemia; Non-ketotic hyperglycinemia. Identifiers: Orphanet 407, MedGen C0751748, MONDO:0011612, HP:0008288.

Allele frequency attached by ClinVar (database versions not stated): gnomAD exomes below 0.00001.
gnomAD v4.1: 2 of 1,611,276 alleles (0.00012%); highest among the groups gnomAD compares: Non-Finnish European, 0.00017%; no homozygotes.

Submissions (4):

Natera, Inc.
Classification: Likely pathogenic for Non-ketotic hyperglycinemia. Last evaluated: 2025-06-16. Review status: criteria provided, single submitter. Criteria: Natera Variant Classification Schema (03/2026). Collection method: clinical testing. Allele origin: germline.
Comment: The c.1055C>G variant in GLDC is a missense variant predicted to cause substitution of threonine to arginine at amino acid 352. This variant is rare in the general population with a frequency below the threshold expected for the associated phenotype(s). This variant has been observed in one or more individuals affected with the associated recessive disease, as either homozygous or compound heterozygous with a second variant (PMID: 38589924, 27362913). Computational prediction algorithms indicate this variant is likely to affect gene or protein function. Given the available evidence, this variant is classified as Likely Pathogenic.

Clinical Genetics DNA and cytogenetics Diagnostics Lab, Erasmus MC, Erasmus Medical Center
Classification: Likely pathogenic. Review status: no assertion criteria provided. Collection method: clinical testing. Allele origin: germline. Affected: yes. Study: VKGL Data-share Consensus. Not counted in ClinVar's aggregate classification.

Diagnostic Laboratory, Department of Genetics, University Medical Center Groningen
Classification: Likely pathogenic for Glycine encephalopathy 1. Review status: no assertion criteria provided. Collection method: clinical testing. Allele origin: germline. Affected: yes. Study: VKGL Data-share Consensus. Not counted in ClinVar's aggregate classification.

Genome Diagnostics Laboratory, University Medical Center Utrecht
Classification: Pathogenic. Review status: no assertion criteria provided. Collection method: clinical testing. Allele origin: germline. Affected: yes. Study: VKGL Data-share Consensus. Not counted in ClinVar's aggregate classification.

Literature cited by the submitters: PubMed 38589924 (cited by Natera, Inc.); PubMed 27362913 (cited by Natera, Inc.).

NM_000170.3(GLDC):c.1055C>G (p.Thr352Arg)

Gene: GLDC (glycine decarboxylase; minus strand). Cytogenetic location: 9p24.1.
Variant type: single nucleotide variant.
Coding change: c.1055C>G on transcript NM_000170.3 (MANE Select); coding-DNA position 1055, C replaced by G.
Protein change: p.Thr352Arg; replaces threonine 352 with arginine.
Molecular consequence: missense variant.
Genome position (GRCh38, 1-based): chr9:6,604,591, G>C on the plus strand (C>G on the coding strand, the complement: GLDC is on the minus strand). VCF-style: chr9-6604591-G-C. GRCh37 (hg19) VCF-style: chr9-6604591-G-C.
Other names: short protein forms T352R.
Identifiers: ClinVar variation 518399 (VCV000518399.4), dbSNP rs1554648060, ClinGen allele CA372895254.